The following is an entry in ClinVar:

NM_007294.4(BRCA1):c.2507_2508del (p.Glu836fs)

Gene: BRCA1 (BRCA1 DNA repair associated; minus strand). Cytogenetic location: 17q21.31.
Variant type: Deletion.
Coding change: c.2507_2508del on transcript NM_007294.4 (MANE Select); coding-DNA positions 2507 to 2508, 2 bases deleted (AA; older notation c.2507_2508delAA).
Protein change: p.Glu836fs; shifts the reading frame from glutamic acid 836.
Molecular consequence: frameshift variant. On other transcripts: intron variant (137).
Genome position (GRCh38, 1-based): chr17:43,093,023-43,093,024, TT deleted on the plus strand (AA on the coding strand, the reverse complement: BRCA1 is on the minus strand). VCF-style (leftmost placement, unchanged base first): chr17-43093022-CTT-C. GRCh37 (hg19) VCF-style: chr17-41245039-CTT-C.
Other names: 2626delAA; c.2504_2505del, p.Glu835fs (NM_001407587.1, NM_001407590.1, NM_001407591.1 and 22 more transcripts); c.2507_2508del, p.Glu836fs (NM_001407593.1, NM_001407594.1, NM_001407596.1 and 30 more transcripts); c.2498_2499del, p.Glu833fs (NM_001407646.1, NM_001407647.1); c.2384_2385del, p.Glu795fs (NM_001407648.1, NM_001407664.1, NM_001407665.1 and 19 more transcripts); c.2381_2382del, p.Glu794fs (NM_001407649.1, NM_001407670.1, NM_001407671.1 and 11 more transcripts); c.2429_2430del, p.Glu810fs (NM_001407653.1, NM_001407654.1, NM_001407655.1 and 4 more transcripts); c.2426_2427del, p.Glu809fs (NM_001407659.1, NM_001407660.1, NM_001407661.1 and 1 more transcripts); and 42 more; short protein forms E789fs, E836fs, E668fs, E810fs, E833fs, E835fs, E709fs, E725fs.
Identifiers: ClinVar variation 54587 (VCV000054587.5), dbSNP rs273899686, ClinGen allele CA001661.
Genomic context (GRCh38, chr17:43,093,022, plus strand): 5'-AATACTGAGCATCAAGTTCACTTTCTTCCATTTCTATGCTTGTTTCCCGACTGTGGTTAA[CTT>C]CATGTCCCAATGGATACTTAAAGCCTTCTGTGTCATTTCTATTATCTTTGGAACAACCAT-3'

ClinVar aggregate classification (germline): Pathogenic. Review status: reviewed by expert panel (3 of 4 stars). 3 submissions from 3 submitters: Pathogenic (1). 2 of the submissions do not count toward it. Last evaluated 2016-09-08.

Conditions:
Breast-ovarian cancer, familial, susceptibility to, 1 (BROVCA1). Also called: OVARIAN CANCER, SUSCEPTIBILITY TO; BRCA1 Hereditary Breast and Ovarian Cancer. Identifiers: Orphanet 145, MedGen C2676676, MONDO:0011450, OMIM 604370. Disease mechanism: loss of function.

Submissions (3):

Evidence-based Network for the Interpretation of Germline Mutant Alleles (ENIGMA)
Classification: Pathogenic for Breast-ovarian cancer, familial, susceptibility to, 1. Last evaluated: 2016-09-08. Review status: reviewed by expert panel. Criteria: ENIGMA BRCA1/2 Classification Criteria (2015). Collection method: curation. Allele origin: germline.
Comment: Variant allele predicted to encode a truncated non-functional protein.

Consortium of Investigators of Modifiers of BRCA1/2 (CIMBA), c/o University of Cambridge
Classification: Pathogenic for Breast-ovarian cancer, familial, susceptibility to, 1. Last evaluated: 2015-10-02. Review status: criteria provided, single submitter. Criteria: CIMBA Mutation Classification guidelines May 2016. Collection method: clinical testing. Allele origin: germline. Not counted in ClinVar's aggregate classification.

Breast Cancer Information Core (BIC) (BRCA1)
Classification: Uncertain significance for Breast-ovarian cancer, familial 1. Last evaluated: 2009-12-10. Review status: no assertion criteria provided. Collection method: clinical testing. Allele origin: germline. Affected: yes. Observed: 2 variant alleles. Not counted in ClinVar's aggregate classification.